The following is an entry in ClinVar:

ClinVar aggregate classification (germline): Benign. Review status: criteria provided, multiple submitters, no conflicts (2 of 4 stars). 3 submissions from 3 submitters: Benign (3). Last evaluated 2021-07-14.

Conditions:
Bardet-Biedl syndrome 9 (BBS9). Identifiers: Orphanet 110, MedGen C1859567, MONDO:0014437, OMIM 615986.

Allele frequency attached by ClinVar (database versions not stated): gnomAD exomes 0.31020; gnomAD 0.45573 and 0.45678; TOPMed 0.48926; 1000 Genomes Project 0.60982; 1000 Genomes Project 30x 0.61493.
gnomAD v4.1: 384,754 of 1,164,360 alleles (33%); highest among the groups gnomAD compares: African/African-American, 83%; 80,635 homozygotes.

Submissions (3):

Genome-Nilou Lab
Classification: Benign for Bardet-Biedl syndrome 9. Last evaluated: 2021-07-14. Review status: criteria provided, single submitter. Criteria: ACMG Guidelines, 2015. Collection method: clinical testing. Allele origin: germline. Affected: no.

GeneDx
Classification: Benign. Last evaluated: 2018-11-10. Review status: criteria provided, single submitter. Criteria: GeneDx Variant Classification Process June 2021. Collection method: clinical testing. Allele origin: germline. Affected: yes.

Illumina Laboratory Services, Illumina
Classification: Benign for Bardet-Biedl syndrome 9. Last evaluated: 2018-01-13. Review status: criteria provided, single submitter. Criteria: ICSL Variant Classification Criteria 13 December 2019. Collection method: clinical testing. Allele origin: germline.
Comment: This variant was observed in the ICSL laboratory as part of a predisposition screen in an ostensibly healthy population. It had not been previously curated by ICSL or reported in the Human Gene Mutation Database (HGMD: prior to June 1st, 2018), and was therefore a candidate for classification through an automated scoring system. Utilizing variant allele frequency, disease prevalence and penetrance estimates, and inheritance mode, an automated score was calculated to assess if this variant is too frequent to cause the disease. Based on the score and internal cut-off values, a variant classified as benign is not then subjected to further curation. The score for this variant resulted in a classification of benign for this disease.

NM_198428.3(BBS9):c.*110C>T

Gene: BBS9 (Bardet-Biedl syndrome 9; plus strand). Cytogenetic location: 7p14.3.
Variant type: single nucleotide variant.
Coding change: c.*110C>T on transcript NM_198428.3 (MANE Select); 110 bases downstream of the stop codon, C replaced by T.
Molecular consequence: 3 prime UTR variant. On other transcripts: non-coding transcript variant (3), intron variant (2).
Genome position (GRCh38, 1-based): chr7:33,605,336, C>T. VCF-style: chr7-33605336-C-T. GRCh37 (hg19) VCF-style: chr7-33644948-C-T.
Other names: c.*110C>T (NM_001033604.2, NM_001033605.2, NM_001348036.1 and 10 more transcripts); c.2522-29841C>T (NM_001362679.1); c.2632+361C>T (NM_001348041.4).
Identifiers: ClinVar variation 360075 (VCV000360075.10), dbSNP rs1050721, ClinGen allele CA10623875.